The following is an entry in ClinVar:

ClinVar aggregate classification (germline): Conflicting classifications of pathogenicity. Review status: criteria provided, conflicting classifications (1 of 4 stars). 5 submissions from 5 submitters: Uncertain significance (3); Likely benign (1). 1 of the submissions does not count toward it. Last evaluated 2025-02-27.

Conditions:
Familial cancer of breast. Also called: BREAST CANCER, FAMILIAL; Hereditary breast cancer; hereditary breast carcinoma. Identifiers: Orphanet 227535, MedGen C0346153, MONDO:0016419, OMIM 114480. Disease mechanism: loss of function.
Hereditary cancer-predisposing syndrome. Also called: Hereditary neoplastic syndrome; Neoplastic Syndromes, Hereditary; Tumor predisposition; Hereditary Cancer Syndrome. Identifiers: Orphanet 140162, MedGen C0027672, MeSH D009386, MONDO:0015356.
Ataxia-telangiectasia syndrome (AT). Also called: LOUIS-BAR SYNDROME; Cerebello-oculocutaneous telangiectasia; Immunodeficiency with ataxia telangiectasia; AT, COMPLEMENTATION GROUP C; Ataxia-telangiectasia, complementation group D; ATAXIA-TELANGIECTASIA, COMPLEMENTATION GROUP A. Identifiers: Orphanet 100, MedGen C0004135, MONDO:0008840, OMIM 208900.
Malignant tumor of breast. Also called: Malignant breast neoplasm; Cancer breast. Identifiers: MedGen C0006142, MONDO:0007254. Disease mechanism: loss of function.

gnomAD v4.1: 1 of 1,614,082 alleles (0.000062%); highest among the groups gnomAD compares: Non-Finnish European, 0.000085%; no homozygotes.

Submissions (5):

Ambry Genetics
Classification: Likely benign for Hereditary cancer-predisposing syndrome. Last evaluated: 2025-02-27. Review status: criteria provided, single submitter. Criteria: Ambry Variant Classification Scheme 2023. Collection method: clinical testing. Allele origin: germline.

Labcorp Genetics (formerly Invitae), Labcorp
Classification: Uncertain significance for Ataxia-telangiectasia syndrome. Last evaluated: 2025-01-15. Review status: criteria provided, single submitter. Criteria: Invitae Variant Classification Sherloc (09022015). Collection method: clinical testing. Allele origin: germline.
Comment: This sequence change replaces lysine, which is basic and polar, with asparagine, which is neutral and polar, at codon 477 of the ATM protein (p.Lys477Asn). This variant is not present in population databases (gnomAD no frequency). This variant has not been reported in the literature in individuals affected with ATM-related conditions. ClinVar contains an entry for this variant (Variation ID: 482694). Invitae Evidence Modeling of protein sequence and biophysical properties (such as structural, functional, and spatial information, amino acid conservation, physicochemical variation, residue mobility, and thermodynamic stability) indicates that this missense variant is not expected to disrupt ATM protein function with a negative predictive value of 95%. RNA analysis performed to evaluate the impact of this missense change on mRNA splicing indicates it does not significantly alter splicing (internal data). In summary, the available evidence is currently insufficient to determine the role of this variant in disease. Therefore, it has been classified as a Variant of Uncertain Significance.

Baylor Genetics
Classification: Uncertain significance for Familial cancer of breast. Last evaluated: 2023-06-22. Review status: criteria provided, single submitter. Criteria: ACMG Guidelines, 2015. Collection method: clinical testing. Allele origin: unknown.

GeneDx
Classification: Uncertain significance. Last evaluated: 2023-06-08. Review status: criteria provided, single submitter. Criteria: GeneDx Variant Classification Process June 2021. Collection method: clinical testing. Allele origin: germline. Affected: yes.
Comment: Not observed at significant frequency in large population cohorts (gnomAD); In silico analysis supports that this missense variant does not alter protein structure/function; Has not been previously published as pathogenic or benign to our knowledge

Department of Pathology and Laboratory Medicine, Sinai Health System
Classification: Uncertain significance for Malignant tumor of breast. Review status: no assertion criteria provided. Collection method: clinical testing. Allele origin: unknown. Affected: yes. Observed: 1 variant allele. Study: The Canadian Open Genetics Repository (COGR). Not counted in ClinVar's aggregate classification.
Comment: The ATM p.Lys477Asn variant was not identified in the literature nor was it identified in the dbSNP, ClinVar, GeneInsight-COGR, Cosmic, MutDB, LOVD 3.0, ATM-LOVD, databases. The variant was not identified in the 1000 Genomes Project, the NHLBI GO Exome Sequencing Project or the Exome Aggregation Consortium (August 8th 2016) control databases. Please note another variant, c.1431G>T at the same position with different nucleotide change and same amino acid change, p.Lys477Asn was found in COSMIC database and was classified as pathogenic. The p.Lys477 residue is conserved in mammals but not in more distantly related organisms however four out of five computational analyses (PolyPhen-2, SIFT, AlignGVGD, BLOSUM, MutationTaster) do not suggest a high likelihood of impact to the protein; this information is not predictive enough to rule out pathogenicity. The variant occurs outside of the splicing consensus sequence and 2 of 5 in silico or computational prediction software programs (SpliceSiteFinder, MaxEntScan, NNSPLICE, GeneSplicer, HumanSpliceFinder) predict a greater than 10% difference in splicing; this is not very predictive of pathogenicity. The variant is located with the Armadillo-type fold functional domain increasing the likelihood that it may have clinical significance. In summary, based on the above information, the clinical significance of this variant cannot be determined with certainty at this time. This variant is classified as a variant of uncertain significance.

NM_000051.4(ATM):c.1431G>C (p.Lys477Asn)

Gene: ATM (ATM serine/threonine kinase; plus strand). Cytogenetic location: 11q22.3.
Variant type: single nucleotide variant.
Coding change: c.1431G>C on transcript NM_000051.4 (MANE Select); coding-DNA position 1431, G replaced by C.
Protein change: p.Lys477Asn; replaces lysine 477 with asparagine.
Molecular consequence: missense variant.
Genome position (GRCh38, 1-based): chr11:108,250,896, G>C. VCF-style: chr11-108250896-G-C. GRCh37 (hg19) VCF-style: chr11-108121623-G-C.
Other names: c.1431G>C, p.Lys477Asn (NM_001351834.2); short protein forms K477N.
Identifiers: ClinVar variation 482694 (VCV000482694.17), dbSNP rs1555070941, ClinGen allele CA382534043.